The following is an entry in ClinVar:

NM_000548.5(TSC2):c.4827C>T (p.Cys1609=)

Gene: TSC2 (TSC complex subunit 2; plus strand). Cytogenetic location: 16p13.3.
Variant type: single nucleotide variant.
Coding change: c.4827C>T on transcript NM_000548.5 (MANE Select); coding-DNA position 4827, C replaced by T.
Protein change: p.Cys1609=; no amino-acid change (cysteine 1609 retained).
Molecular consequence: synonymous variant.
Genome position (GRCh38, 1-based): chr16:2,086,357, C>T. VCF-style: chr16-2086357-C-T. GRCh37 (hg19) VCF-style: chr16-2136358-C-T.
Other names: c.4626C>T, p.Cys1542= (NM_001077183.3); c.4758C>T, p.Cys1586= (NM_001114382.3); c.4518C>T, p.Cys1506= (NM_001318827.2); c.4482C>T, p.Cys1494= (NM_001318829.2); c.4095C>T, p.Cys1365= (NM_001318831.2); c.4659C>T, p.Cys1553= (NM_001318832.2); c.4629C>T, p.Cys1543= (NM_001363528.2); c.4695C>T, p.Cys1565= (NM_001370404.1); and 1 more.
Identifiers: ClinVar variation 536034 (VCV000536034.12), dbSNP rs1179490369, ClinGen allele CA493043590.

ClinVar aggregate classification (germline): Likely benign. Review status: criteria provided, multiple submitters, no conflicts (2 of 4 stars). 3 submissions from 3 submitters: Likely benign (3). Last evaluated 2026-06-01.

Conditions:
Hereditary cancer-predisposing syndrome. Also called: Hereditary Cancer Syndrome; Tumor predisposition; Neoplastic Syndromes, Hereditary; Hereditary neoplastic syndrome. Identifiers: Orphanet 140162, MedGen C0027672, MeSH D009386, MONDO:0015356.
Tuberous sclerosis 2 (TSC2). Identifiers: Orphanet 805, MedGen C1860707, MONDO:0013199, OMIM 613254.

Allele frequency attached by ClinVar (database versions not stated): TOPMed below 0.00001.

Submissions (3):

CeGaT Center for Human Genetics Tuebingen
Classification: Likely benign. Last evaluated: 2026-06-01. Review status: criteria provided, single submitter. Criteria: CeGaT Center For Human Genetics Tuebingen Variant Classification Criteria Version 2. Collection method: clinical testing. Allele origin: germline. Affected: yes. Observed: 1 variant allele.
Comment: TSC2: PM2:Supporting, BP4, BP7

Labcorp Genetics (formerly Invitae), Labcorp
Classification: Likely benign for Tuberous sclerosis 2. Last evaluated: 2025-08-17. Review status: criteria provided, single submitter. Criteria: Invitae Variant Classification Sherloc (09022015). Collection method: clinical testing. Allele origin: germline.

Ambry Genetics
Classification: Likely benign for Hereditary cancer-predisposing syndrome. Last evaluated: 2023-06-08. Review status: criteria provided, single submitter. Criteria: Ambry Variant Classification Scheme 2023. Collection method: clinical testing. Allele origin: germline.